The following is an entry in ClinVar:

NM_080680.3(COL11A2):c.4983C>T (p.Asp1661=)

Gene: COL11A2 (collagen type XI alpha 2 chain; minus strand). Cytogenetic location: 6p21.32.
Variant type: single nucleotide variant.
Coding change: c.4983C>T on transcript NM_080680.3 (MANE Select); coding-DNA position 4983, C replaced by T.
Protein change: p.Asp1661=; no amino-acid change (aspartic acid 1661 retained).
Molecular consequence: synonymous variant.
Genome position (GRCh38, 1-based): chr6:33,164,354, G>A on the plus strand (C>T on the coding strand, the complement: COL11A2 is on the minus strand). VCF-style: chr6-33164354-G-A. GRCh37 (hg19) VCF-style: chr6-33132131-G-A.
Other names: c.4662C>T, p.Asp1554= (NM_080679.3); c.4725C>T, p.Asp1575= (NM_080681.3).
Identifiers: ClinVar variation 906636 (VCV000906636.12), dbSNP rs528251146, ClinGen allele CA3749940.

ClinVar aggregate classification (germline): Conflicting classifications of pathogenicity. Review status: criteria provided, conflicting classifications (1 of 4 stars). 5 submissions from 3 submitters: Uncertain significance (2); Benign (1); Likely benign (2). Last evaluated 2025-10-13.

Conditions:
Fibrochondrogenesis 2 (FBCG2). Identifiers: Orphanet 2021, MedGen C3281128, MONDO:0013795, OMIM 614524.
Otospondylomegaepiphyseal dysplasia, autosomal recessive (OSMEDB). Also called: Insley-Astley syndrome; CHONDRODYSTROPHY WITH SENSORINEURAL DEAFNESS. Identifiers: Orphanet 1427, MedGen CN034493, MONDO:0044206, OMIM 215150.
Otospondylomegaepiphyseal dysplasia, autosomal dominant (OSMEDA). Also called: COL11A2-Related Stickler Syndrome; Pierre Robin syndrome with fetal chondrodysplasia; Stickler syndrome, type 3. Identifiers: Orphanet 166100, Orphanet 3450, MedGen C1848488, MONDO:0008490, OMIM 184840.

Allele frequency attached by ClinVar (database versions not stated): gnomAD exomes 0.00002 and 0.00004; TOPMed 0.00002; gnomAD 0.00003 and 0.00005; ExAC 0.00006; 1000 Genomes Project 30x 0.00016; 1000 Genomes Project 0.00020.
gnomAD v4.1: 46 of 1,612,778 alleles (0.0029%); highest among the groups gnomAD compares: East Asian, 0.062%; no homozygotes.

Submissions (5):

Labcorp Genetics (formerly Invitae), Labcorp
Classification: Likely benign. Last evaluated: 2025-10-13. Review status: criteria provided, single submitter. Criteria: Invitae Variant Classification Sherloc (09022015). Collection method: clinical testing. Allele origin: germline.

Blueprint Genetics
Classification: Likely benign. Last evaluated: 2022-11-30. Review status: criteria provided, single submitter. Criteria: ACMG Guidelines, 2015. Collection method: clinical testing. Allele origin: germline.

Illumina Laboratory Services, Illumina
Classification: Benign for Otospondylomegaepiphyseal dysplasia, autosomal recessive. Last evaluated: 2018-01-12. Review status: criteria provided, single submitter. Criteria: ICSL Variant Classification Criteria 13 December 2019. Collection method: clinical testing. Allele origin: germline.
Comment: This variant was observed in the ICSL laboratory as part of a predisposition screen in an ostensibly healthy population. It had not been previously curated by ICSL or reported in the Human Gene Mutation Database (HGMD: prior to June 1st, 2018), and was therefore a candidate for classification through an automated scoring system. Utilizing variant allele frequency, disease prevalence and penetrance estimates, and inheritance mode, an automated score was calculated to assess if this variant is too frequent to cause the disease. Based on the score and internal cut-off values, a variant classified as benign is not then subjected to further curation. The score for this variant resulted in a classification of benign for this disease.

Illumina Laboratory Services, Illumina
Classification: Uncertain significance for Otospondylomegaepiphyseal dysplasia, autosomal dominant. Last evaluated: 2018-01-12. Review status: criteria provided, single submitter. Criteria: ICSL Variant Classification Criteria 13 December 2019. Collection method: clinical testing. Allele origin: germline.

Illumina Laboratory Services, Illumina
Classification: Uncertain significance for Fibrochondrogenesis 2. Last evaluated: 2018-01-12. Review status: criteria provided, single submitter. Criteria: ICSL Variant Classification Criteria 13 December 2019. Collection method: clinical testing. Allele origin: germline.